The following is an entry in ClinVar:

ClinVar aggregate classification (germline): Likely benign. Review status: criteria provided, multiple submitters, no conflicts (2 of 4 stars). 3 submissions from 3 submitters: Likely benign (2). 1 of the submissions does not count toward it. Last evaluated 2025-10-19.

Conditions:
BTRC-related disorder. Also called: BTRC-related condition.

Allele frequency attached by ClinVar (database versions not stated): 1000 Genomes Project 30x 0.00016; 1000 Genomes Project 0.00020; ExAC 0.00072; gnomAD 0.00086 and 0.00087; gnomAD exomes 0.00086 and 0.00103; TOPMed 0.00094; ESP Exome Variant Server 0.00131.
gnomAD v4.1: 1,391 of 1,614,184 alleles (0.086%); highest among the groups gnomAD compares: Admixed American, 0.11%; 2 homozygotes.

Submissions (3):

Labcorp Genetics (formerly Invitae), Labcorp
Classification: Likely benign. Last evaluated: 2025-10-19. Review status: criteria provided, single submitter. Criteria: Invitae Variant Classification Sherloc (09022015). Collection method: clinical testing. Allele origin: germline.

CeGaT Center for Human Genetics Tuebingen
Classification: Likely benign. Last evaluated: 2023-11-01. Review status: criteria provided, single submitter. Criteria: CeGaT Center For Human Genetics Tuebingen Variant Classification Criteria Version 2. Collection method: clinical testing. Allele origin: germline. Affected: yes. Observed: 1 variant allele.
Comment: BTRC: BP4

PreventionGenetics, part of Exact Sciences
Classification: Benign for BTRC-related condition. Last evaluated: 2020-02-24. Review status: no assertion criteria provided. Collection method: clinical testing. Allele origin: germline. Not counted in ClinVar's aggregate classification.
Comment: This variant is classified as benign based on ACMG/AMP sequence variant interpretation guidelines (Richards et al. 2015 PMID: 25741868, with internal and published modifications).

NM_033637.4(BTRC):c.1159C>T (p.Leu387=)

Gene: BTRC (beta-transducin repeat containing E3 ubiquitin protein ligase; plus strand). Cytogenetic location: 10q24.32.
Variant type: single nucleotide variant.
Coding change: c.1159C>T on transcript NM_033637.4 (MANE Select); coding-DNA position 1159, C replaced by T.
Protein change: p.Leu387=; no amino-acid change (leucine 387 retained).
Molecular consequence: synonymous variant.
Genome position (GRCh38, 1-based): chr10:101,534,722, C>T. VCF-style: chr10-101534722-C-T. GRCh37 (hg19) VCF-style: chr10-103294479-C-T.
Other names: c.1081C>T, p.Leu361= (NM_001256856.2); c.1051C>T, p.Leu351= (NM_003939.5).
Identifiers: ClinVar variation 717492 (VCV000717492.32), dbSNP rs4151059, ClinGen allele CA5656135.
Genomic context (GRCh38, chr10:101,534,722, plus strand): 5'-GTGTGGGATGTAAATACAGGTGAAATGCTAAACACGTTGATTCACCATTGTGAAGCAGTT[C>T]TGCACTTGCGTTTCAATAATGGCATGATGGTGACCTGCTCCAAAGATCGTTCCATTGCTG-3'
Protein context (NP_378663.1, residues 377-397): NTLIHHCEAV[Leu387=]HLRFNNGMMV